The following is an entry in ClinVar:

ClinVar aggregate classification (germline): Pathogenic. Review status: criteria provided, multiple submitters, no conflicts (2 of 4 stars). 3 submissions from 3 submitters: Pathogenic (3). Last evaluated 2024-11-29.

Conditions:
Cornelia de Lange syndrome 1 (CDLS1). Also called: TYPUS DEGENERATIVUS AMSTELODAMENSIS; Brachmann de Lange syndrome; NIPBL-Related Cornelia de Lange Syndrome. Identifiers: Orphanet 199, MedGen C4551851, MONDO:0007387, OMIM 122470.

Submissions (3):

GeneDx
Classification: Pathogenic. Last evaluated: 2024-11-29. Review status: criteria provided, single submitter. Criteria: GeneDx Variant Classification Process June 2021. Collection method: clinical testing. Allele origin: germline.
Comment: Nonsense variant predicted to result in protein truncation or nonsense mediated decay in a gene for which loss of function is a known mechanism of disease; Not observed at significant frequency in large population cohorts (gnomAD); This variant is associated with the following publications: (PMID: 37377026, 30614194)

Genetic Services Laboratory, University of Chicago
Classification: Pathogenic for Cornelia de Lange syndrome 1. Last evaluated: 2014-04-18. Review status: criteria provided, single submitter. Criteria: ACMG Guidelines, 2007. Collection method: clinical testing. Allele origin: germline. Inheritance: Autosomal dominant inheritance. Affected: yes.

Juno Genomics, Hangzhou Juno Genomics, Inc
Classification: Pathogenic for Cornelia de Lange syndrome 1. Review status: criteria provided, single submitter. Criteria: ACMG Guidelines, 2015. Collection method: clinical testing. Allele origin: germline. Affected: yes.
Comment: Absent from controls (or at extremely low frequency if recessive) in Genome Aggregation Database, Exome Sequencing Project, 1000 Genomes Project, or Exome Aggregation Consortium.;Null variant in a gene where loss of function (LOF) is a known mechanism of disease.;The prevalence of the variant in affected individuals is significantly increased compared to the prevalence in controls.;De novo (both maternity and paternity confirmed) in a patient with the disease and no family history.

NM_133433.4(NIPBL):c.5365C>T (p.Arg1789Ter)

Gene: NIPBL (NIPBL cohesin loading factor; plus strand). Cytogenetic location: 5p13.2.
Variant type: single nucleotide variant.
Coding change: c.5365C>T on transcript NM_133433.4 (MANE Select); coding-DNA position 5365, C replaced by T.
Protein change: p.Arg1789Ter; replaces arginine 1789 with a stop codon.
Molecular consequence: nonsense.
Genome position (GRCh38, 1-based): chr5:37,022,087, C>T. VCF-style: chr5-37022087-C-T. GRCh37 (hg19) VCF-style: chr5-37022189-C-T.
Other names: c.5365C>T, p.Arg1789Ter (NM_015384.5); short protein forms R1789*.
Identifiers: ClinVar variation 159147 (VCV000159147.10), dbSNP rs587783972, ClinGen allele CA272144.